The following is an entry in ClinVar:

NM_012082.4(ZFPM2):c.2207G>A (p.Arg736His)

Genes: ZFPM2 (zinc finger protein, FOG family member 2; plus strand), ZFPM2-AS1 (ZFPM2 antisense RNA 1; minus strand), LOC126860469 (BRD4-independent group 4 enhancer GRCh37_chr8:106814445-106815644; plus strand). Cytogenetic location: 8q23.1.
Variant type: single nucleotide variant.
Coding change: c.2207G>A on transcript NM_012082.4 (MANE Select); coding-DNA position 2207, G replaced by A.
Protein change: p.Arg736His; replaces arginine 736 with histidine.
Molecular consequence: missense variant.
Genome position (GRCh38, 1-based): chr8:105,802,289, G>A. VCF-style: chr8-105802289-G-A. GRCh37 (hg19) VCF-style: chr8-106814517-G-A.
Other names: c.2048G>A, p.Arg683His (NM_001362836.2); c.1811G>A, p.Arg604His (NM_001362837.2); short protein forms R736H, R604H, R683H.
Identifiers: ClinVar variation 1914321 (VCV001914321.5), dbSNP rs779236742, ClinGen allele CA182650240.

ClinVar aggregate classification (germline): Uncertain significance (1 of 4 stars; one submission).

Conditions:
46,XY sex reversal 9 (SRXY9). Also called: 46,XY SEX REVERSAL, ZFPM2-RELATED. Identifiers: Orphanet 251510, MedGen C4015129, MONDO:0014480, OMIM 616067.

gnomAD v4.1: 6 of 1,613,752 alleles (0.00037%); highest among the groups gnomAD compares: South Asian, 0.0022%; no homozygotes.

Submission:

Labcorp Genetics (formerly Invitae), Labcorp
Classification: Uncertain significance for 46,XY sex reversal 9. Last evaluated: 2022-11-22. Review status: criteria provided, single submitter. Criteria: Invitae Variant Classification Sherloc (09022015). Collection method: clinical testing. Allele origin: germline.
Comment: In summary, the available evidence is currently insufficient to determine the role of this variant in disease. Therefore, it has been classified as a Variant of Uncertain Significance. Algorithms developed to predict the effect of missense changes on protein structure and function are either unavailable or do not agree on the potential impact of this missense change (SIFT: "Deleterious"; PolyPhen-2: "Probably Damaging"; Align-GVGD: "Class C0"). This variant has not been reported in the literature in individuals affected with ZFPM2-related conditions. This variant is not present in population databases (gnomAD no frequency). This sequence change replaces arginine, which is basic and polar, with histidine, which is basic and polar, at codon 736 of the ZFPM2 protein (p.Arg736His).